The following is an entry in ClinVar:

ClinVar aggregate classification (germline): Pathogenic. Review status: criteria provided, multiple submitters, no conflicts (2 of 4 stars). 9 submissions from 9 submitters: Pathogenic (8). 1 of the submissions does not count toward it. Last evaluated 2025-12-24.

Conditions:
FANCG-related disorder. Also called: FANCG-related condition.
FANCG-related disorders.
Fanconi anemia (FA). Also called: Fanconi's anemia. Identifiers: Orphanet 84, MedGen C0015625, MeSH D005199, MONDO:0019391.
Fanconi anemia complementation group G. Also called: FANCG-Related Fanconi Anemia; Fanconi anemia group G. Identifiers: Orphanet 84, MedGen C3469527, MONDO:0013565, OMIM 614082.

Submissions (9):

Labcorp Genetics (formerly Invitae), Labcorp
Classification: Pathogenic for Fanconi anemia. Last evaluated: 2025-12-24. Review status: criteria provided, single submitter. Criteria: Invitae Variant Classification Sherloc (09022015). Collection method: clinical testing. Allele origin: germline.
Comment: This sequence change is expected to alter the c-terminus of the FANCG protein (p.Trp599Profs*49). While this is not anticipated to result in nonsense mediated decay, it is expected to disrupt the last 24 amino acid(s) of the FANCG protein and extend the protein by 24 additional amino acid residues. This variant is present in population databases (rs776937138, gnomAD 0.007%). This frameshift has been observed in individual(s) with Fanconi anemia (PMID: 12552564). In at least one individual the data is consistent with being in trans (on the opposite chromosome) from a pathogenic variant. This variant is also known as c.1794_1803del10 or c.1794_1803del. ClinVar contains an entry for this variant (Variation ID: 6718). For these reasons, this variant has been classified as Pathogenic.

Natera, Inc.
Classification: Pathogenic for Fanconi anemia group G. Last evaluated: 2025-08-26. Review status: criteria provided, single submitter. Criteria: Natera Variant Classification Schema (03/2026). Collection method: clinical testing. Allele origin: germline.
Comment: The c.1795_1804delTGGATCCGTC variant in FANCG is a frameshift variant predicted to elongate the protein beyond the termination codon. This variant is rare in the general population with a frequency below the threshold expected for the associated phenotype(s). This variant has been observed in one or more individuals affected with the associated recessive disease, as either homozygous or compound heterozygous with a second variant (PMID: 12552564). Additionally, this variant has been observed to segregate in affected family members (PMID: 12552564). Computational prediction algorithms indicate this variant is likely to affect gene or protein function. Given the available evidence, this variant is classified as Pathogenic.

PreventionGenetics, part of Exact Sciences
Classification: Pathogenic for FANCG-related condition. Last evaluated: 2025-06-10. Review status: criteria provided, single submitter. Criteria: ACMG Guidelines, 2015. Collection method: clinical testing. Allele origin: germline.
Comment: The FANCG c.1795_1804del10 variant is predicted to result in a frameshift and premature protein termination (p.Trp599Profs*49). This variant, referred to as c.1794_1803del, was reported in the homozygous state and along with a second FANCG mutation in multiple individuals with Fanconi anemia (Auerbach et al. 2003. PubMed ID: 12552564). This variant is the most common FANCG variant in the Northern European population (Auerbach et al. 2003. PubMed ID: 12552564). This variant has also been reported within the lung squamous cell carcinoma cohort when looking at predisposition variants in cancer (Huang et al. 2018. PubMed ID: 29625052; Chan et al. 2021. PubMed ID: 35929646). This variant is reported in 0.0062% of alleles in individuals of African descent in gnomAD. Frameshift variants in FANCG are expected to be pathogenic. This variant is interpreted as pathogenic.

Blueprint Genetics
Classification: Pathogenic for FANCG-related disorders. Last evaluated: 2024-08-29. Review status: criteria provided, single submitter. Criteria: ACMG Guidelines, 2015. Collection method: clinical testing. Allele origin: germline. Affected: yes. Observed: 2 variant alleles.

Baylor Genetics
Classification: Pathogenic for Fanconi anemia complementation group G. Last evaluated: 2024-03-25. Review status: criteria provided, single submitter. Criteria: ACMG Guidelines, 2015. Collection method: clinical testing. Allele origin: unknown.

Fulgent Genetics
Classification: Pathogenic for Fanconi anemia complementation group G. Last evaluated: 2024-02-01. Review status: criteria provided, single submitter. Criteria: ACMG Guidelines, 2015. Collection method: clinical testing. Allele origin: germline.

Revvity Omics, Revvity
Classification: Pathogenic for Fanconi anemia complementation group G. Last evaluated: 2023-01-27. Review status: criteria provided, single submitter. Criteria: ACMG Guidelines, 2015. Collection method: clinical testing. Allele origin: germline.

GeneDx
Classification: Pathogenic. Last evaluated: 2022-10-17. Review status: criteria provided, single submitter. Criteria: GeneDx Variant Classification Process June 2021. Collection method: clinical testing. Allele origin: germline. Affected: yes.
Comment: Frameshift variant in the C-terminus predicted to result in protein truncation, as the last 24 amino acids are lost and replaced with 48 incorrect amino acids; Also known as 1794_1803del10; This variant is associated with the following publications: (PMID: 12552564, 29625052, 35929646)

OMIM
Classification: Pathogenic for FANCONI ANEMIA, COMPLEMENTATION GROUP G. Last evaluated: 2003-02-01. Review status: no assertion criteria provided. Collection method: literature only. Allele origin: germline. Not counted in ClinVar's aggregate classification.

Literature cited by the submitters: PubMed 12552564 (cited by 3 submitters).

NM_004629.1(FANCG):c.1795_1804del (p.Trp599Profs)

Gene: FANCG (FA complementation group G; minus strand). Cytogenetic location: 9p13.3.
Variant type: Deletion.
Coding change: c.1795_1804del on transcript NM_004629.1; coding-DNA positions 1795 to 1804, 10 bases deleted (TGGATCCGTC; older notation c.1795_1804delTGGATCCGTC).
Protein change: p.Trp599Profs; shifts the reading frame from tryptophan 599.
Molecular consequence: frameshift variant.
Genome position (GRCh38, 1-based): chr9:35,074,173-35,074,182, GACGGATCCA deleted on the plus strand (TGGATCCGTC on the coding strand, the reverse complement: FANCG is on the minus strand); deleting any 10 consecutive bases within chr9:35,074,173-35,074,183 gives the same sequence; the c. name uses the placement nearest the transcript's 3' end. VCF-style (leftmost placement, unchanged base first): chr9-35074172-GGACGGATCCA-G. GRCh37 (hg19) VCF-style: chr9-35074169-GGACGGATCCA-G.
Other names: c.1795_1804delTGGATCCGTC (NM_004629.1); c.1795_1804del10 (NM_004629.1); c.1795_1804del, p.Trp599fs (NM_004629.2); short protein forms W599fs.
Identifiers: ClinVar variation 6718 (VCV000006718.27), dbSNP rs397507560, ClinGen allele CA340607.
Genomic context (GRCh38, chr9:35,074,172, plus strand): 5'-AGGTCACAAGACTTTGGCAGAGATGTCCGAAATTCTTCAAGGAAGGCGTCACGATCAGAG[GGACGGATCCA>G]GCTCAAATAGCTTTCTAGGTACAGGGGGAGAGACCTGGAGAGAAAGAAGGATGATGCCTA-3'